The following is an entry in ClinVar:

ClinVar aggregate classification (germline): Uncertain significance. Review status: criteria provided, multiple submitters, no conflicts (2 of 4 stars). 2 submissions from 2 submitters: Uncertain significance (2). Last evaluated 2021-08-30.

Conditions:
Cardiomyopathy (CMYO). Also called: Cardiomyopathies. Identifiers: Orphanet 167848, MedGen C0878544, MONDO:0004994, HP:0001638. Inheritance: Various modes of inheritance.
Hypertrophic cardiomyopathy. Also called: HYPERTROPHIC MYOCARDIOPATHY. Identifiers: Orphanet 217569, MedGen C0007194, MeSH D002312, MONDO:0005045, HP:0001639.

Submissions (2):

Labcorp Genetics (formerly Invitae), Labcorp
Classification: Uncertain significance for Hypertrophic cardiomyopathy. Last evaluated: 2021-08-30. Review status: criteria provided, single submitter. Criteria: Invitae Variant Classification Sherloc (09022015). Collection method: clinical testing. Allele origin: germline.
Comment: This sequence change replaces glutamic acid with aspartic acid at codon 739 of the MYBPC3 protein (p.Glu739Asp). The glutamic acid residue is highly conserved and there is a small physicochemical difference between glutamic acid and aspartic acid. This variant is not present in population databases (ExAC no frequency). This variant has not been reported in the literature in individuals affected with MYBPC3-related conditions. Algorithms developed to predict the effect of missense changes on protein structure and function are either unavailable or do not agree on the potential impact of this missense change (SIFT: "Deleterious"; PolyPhen-2: "Benign"; Align-GVGD: "Class C35"). In summary, the available evidence is currently insufficient to determine the role of this variant in disease. Therefore, it has been classified as a Variant of Uncertain Significance.

Color Diagnostics, LLC DBA Color Health
Classification: Uncertain significance for Cardiomyopathy. Last evaluated: 2019-07-05. Review status: criteria provided, single submitter. Criteria: ACMG Guidelines, 2015. Collection method: clinical testing. Allele origin: germline.
Comment: This missense variant replaces glutamic acid with aspartic acid at codon 739 of the MYBPC3 protein. Computational prediction tools and conservation analyses are inconclusive regarding the impact of this variant on the protein function. Computational splicing tools suggest that this variant may not impact RNA splicing. To our knowledge, functional assays have not been performed for this variant nor has this variant been reported in individuals affected with cardiovascular disorders in the literature. This variant has not been identified in the general population by the Genome Aggregation Database (gnomAD). Available evidence is insufficient to determine the role of this variant in disease conclusively. Therefore, this variant is classified as a Variant of Uncertain Significance.

NM_000256.3(MYBPC3):c.2217G>T (p.Glu739Asp)

Gene: MYBPC3 (myosin binding protein C3; minus strand). Cytogenetic location: 11p11.2.
Variant type: single nucleotide variant.
Coding change: c.2217G>T on transcript NM_000256.3 (MANE Select); coding-DNA position 2217, G replaced by T.
Protein change: p.Glu739Asp; replaces glutamic acid 739 with aspartic acid.
Molecular consequence: missense variant.
Genome position (GRCh38, 1-based): chr11:47,338,611, C>A on the plus strand (G>T on the coding strand, the complement: MYBPC3 is on the minus strand). VCF-style: chr11-47338611-C-A. GRCh37 (hg19) VCF-style: chr11-47360162-C-A.
Other names: short protein forms E739D.
Identifiers: ClinVar variation 188565 (VCV000188565.10), dbSNP rs786204348, ClinGen allele CA011909.